The following is an entry in ClinVar:

ClinVar aggregate classification (germline): Pathogenic (1 of 4 stars; one submission).

Conditions:
Developmental and epileptic encephalopathy, 11 (DEE11). Also called: Early infantile epileptic encephalopathy 11. Identifiers: Orphanet 1934, MedGen C3150987, MONDO:0013388, OMIM 613721.
Seizures, benign familial infantile, 3 (BFIS3). Also called: CONVULSIONS, BENIGN FAMILIAL INFANTILE, 3; Familial neonatal seizures. Identifiers: Orphanet 140927, Orphanet 306, MedGen C1843140, MONDO:0011904, OMIM 607745.

Submission:

Labcorp Genetics (formerly Invitae), Labcorp
Classification: Pathogenic for Seizures, benign familial infantile, 3; Developmental and epileptic encephalopathy, 11. Last evaluated: 2025-08-20. Review status: criteria provided, single submitter. Criteria: Invitae Variant Classification Sherloc (09022015). Collection method: clinical testing. Allele origin: germline.
Comment: This sequence change creates a premature translational stop signal (p.Lys60Asnfs*33) in the SCN2A gene. It is expected to result in an absent or disrupted protein product. Loss-of-function variants in SCN2A are known to be pathogenic (PMID: 28379373). This variant is not present in population databases (gnomAD no frequency). This variant has not been reported in the literature in individuals affected with SCN2A-related conditions. For these reasons, this variant has been classified as Pathogenic.

Literature cited by the submitters: PubMed 28379373.

NM_001040142.2(SCN2A):c.180del (p.Lys60fs)

Gene: SCN2A (sodium voltage-gated channel alpha subunit 2; plus strand). Cytogenetic location: 2q24.3.
Variant type: Deletion.
Coding change: c.180del on transcript NM_001040142.2 (MANE Select); coding-DNA position 180, one base deleted (A; older notation c.180delA).
Protein change: p.Lys60fs; shifts the reading frame from lysine 60.
Molecular consequence: frameshift variant.
Genome position (GRCh38, 1-based): chr2:165,296,003, A deleted; the last of 4 consecutive A bases (chr2:165,296,000-165,296,003); deleting any one gives the same sequence. VCF-style (leftmost placement, unchanged base first): chr2-165295999-GA-G. GRCh37 (hg19) VCF-style: chr2-166152509-GA-G.
Other names: c.180del, p.Lys60fs (NM_001040143.2, NM_001371246.1, NM_001371247.1 and 1 more transcripts); short protein forms K60fs.
Identifiers: ClinVar variation 4785922 (VCV004785922.1).
Genomic context (GRCh38, chr2:165,295,999, plus strand): 5'-AGGAACGCAAGGATGAGGATGATGAAAATGGCCCAAAGCCAAACAGTGACTTGGAAGCAG[GA>G]AAATCTCTTCCATTTATTTATGGAGACATTCCTCCAGAGATGGTGTCAGTGCCCCTGGAG-3'